The following is an entry in ClinVar:

ClinVar aggregate classification (germline): Conflicting classifications of pathogenicity. Review status: criteria provided, conflicting classifications (1 of 4 stars). 2 submissions from 2 submitters: Likely pathogenic (1); Uncertain significance (1). Last evaluated 2021-11-17.

Conditions:
Cowden syndrome 6 (CWS6). Identifiers: Orphanet 201, MedGen C3554519, MONDO:0014048, OMIM 615109.

Submissions (2):

Labcorp Genetics (formerly Invitae), Labcorp
Classification: Uncertain significance for Cowden syndrome 6. Last evaluated: 2021-11-17. Review status: criteria provided, single submitter. Criteria: Invitae Variant Classification Sherloc (09022015). Collection method: clinical testing. Allele origin: germline.
Comment: This sequence change replaces glutamine, which is neutral and polar, with arginine, which is basic and polar, at codon 79 of the AKT1 protein (p.Gln79Arg). This variant is not present in population databases (gnomAD no frequency). This variant has not been reported in the literature in individuals affected with AKT1-related conditions. ClinVar contains an entry for this variant (Variation ID: 373773). Algorithms developed to predict the effect of missense changes on protein structure and function are either unavailable or do not agree on the potential impact of this missense change (SIFT: "Tolerated"; PolyPhen-2: "Possibly Damaging"; Align-GVGD: "Class C0"). In summary, the available evidence is currently insufficient to determine the role of this variant in disease. Therefore, it has been classified as a Variant of Uncertain Significance.

GeneDx
Classification: Likely pathogenic. Last evaluated: 2016-12-06. Review status: criteria provided, single submitter. Criteria: GeneDx Variant Classification (06012015). Collection method: clinical testing. Allele origin: germline. Affected: yes.
Comment: The Q79R variant in the AKT1 gene has not been reported previously as a pathogenic variant, nor as a benign variant, to our knowledge. The Q79R variant was not observed in approximately 6500 individuals of European and African American ancestry in the NHLBI Exome Sequencing Project, indicating it is not a common benign variant in these populations. The Q79R variant is a semi-conservative amino acid substitution, which may impact secondary protein structure as these residues differ in some properties. This substitution occurs at a position that is conserved across species. In silico analysis predicts this variant is probably damaging to the protein structure/function. The Q79R variant is a strong candidate for a pathogenic variant.

NM_001382430.1(AKT1):c.236A>G (p.Gln79Arg)

Gene: AKT1 (AKT serine/threonine kinase 1; minus strand). Cytogenetic location: 14q32.33.
Variant type: single nucleotide variant.
Coding change: c.236A>G on transcript NM_001382430.1 (MANE Select); coding-DNA position 236, A replaced by G.
Protein change: p.Gln79Arg; replaces glutamine 79 with arginine.
Molecular consequence: missense variant.
Genome position (GRCh38, 1-based): chr14:104,776,710, T>C on the plus strand (A>G on the coding strand, the complement: AKT1 is on the minus strand). VCF-style: chr14-104776710-T-C. GRCh37 (hg19) VCF-style: chr14-105243047-T-C.
Other names: c.236A>G, p.Gln79Arg (NM_001014431.2, NM_001014432.2, NM_001382431.1 and 3 more transcripts); short protein forms Q79R.
Identifiers: ClinVar variation 373773 (VCV000373773.6), dbSNP rs1057518602, ClinGen allele CA16042842.